The following is an entry in ClinVar:

ClinVar aggregate classification (germline): Uncertain significance (1 of 4 stars; one submission).

Submission:

Labcorp Genetics (formerly Invitae), Labcorp
Classification: Uncertain significance. Last evaluated: 2022-07-06. Review status: criteria provided, single submitter. Criteria: Invitae Variant Classification Sherloc (09022015). Collection method: clinical testing. Allele origin: germline.
Comment: In summary, the available evidence is currently insufficient to determine the role of this variant in disease. Therefore, it has been classified as a Variant of Uncertain Significance. Advanced modeling of protein sequence and biophysical properties (such as structural, functional, and spatial information, amino acid conservation, physicochemical variation, residue mobility, and thermodynamic stability) performed at Invitae indicates that this missense variant is expected to disrupt EIF2B5 protein function. This variant has not been reported in the literature in individuals affected with EIF2B5-related conditions. This variant is present in population databases (no rsID available, gnomAD 0.02%). This sequence change replaces arginine, which is basic and polar, with leucine, which is neutral and non-polar, at codon 129 of the EIF2B5 protein (p.Arg129Leu).

NM_003907.3(EIF2B5):c.386G>T (p.Arg129Leu)

Gene: EIF2B5 (eukaryotic translation initiation factor 2B subunit epsilon; plus strand). Cytogenetic location: 3q27.1.
Variant type: single nucleotide variant.
Coding change: c.386G>T on transcript NM_003907.3 (MANE Select); coding-DNA position 386, G replaced by T.
Protein change: p.Arg129Leu; replaces arginine 129 with leucine.
Molecular consequence: missense variant.
Genome position (GRCh38, 1-based): chr3:184,137,685, G>T. VCF-style: chr3-184137685-G-T. GRCh37 (hg19) VCF-style: chr3-183855473-G-T.
Other names: short protein forms R129L.
Identifiers: ClinVar variation 2157293 (VCV002157293.4), dbSNP rs377197747, ClinGen allele CA355381851.